The following is an entry in ClinVar:

NM_000540.3(RYR1):c.4879G>A (p.Val1627Met)

Gene: RYR1 (ryanodine receptor 1; plus strand). Cytogenetic location: 19q13.2.
Variant type: single nucleotide variant.
Coding change: c.4879G>A on transcript NM_000540.3 (MANE Select); coding-DNA position 4879, G replaced by A.
Protein change: p.Val1627Met; replaces valine 1627 with methionine.
Molecular consequence: missense variant.
Genome position (GRCh38, 1-based): chr19:38,483,461, G>A. VCF-style: chr19-38483461-G-A. GRCh37 (hg19) VCF-style: chr19-38974101-G-A.
Other names: c.4879G>A, p.Val1627Met (NM_001042723.2); short protein forms V1627M.
Identifiers: ClinVar variation 393147 (VCV000393147.15), dbSNP rs568486136, ClinGen allele CA066490.

ClinVar aggregate classification (germline): Uncertain significance. Review status: criteria provided, multiple submitters, no conflicts (2 of 4 stars). 5 submissions from 5 submitters: Uncertain significance (5). Last evaluated 2024-11-27.

Conditions:
RYR1-related disorder. Also called: RYR1-related disorders; RYR1-related condition. Identifiers: MedGen CN239331.
Malignant hyperthermia, susceptibility to, 1 (MHS1). Also called: RYR1-Related Malignant Hyperthermia Susceptibility; Anesthesia related hyperthermia; Malignant hyperpyrexia; Fulminating hyperpyrexia; Pharmacogenic myopathy; Malignant hyperthermia suceptibility 1. Identifiers: Orphanet 423, MedGen C2930980, MONDO:0007783, OMIM 145600.

Allele frequency attached by ClinVar (database versions not stated): gnomAD 0.00001; TOPMed 0.00001; gnomAD exomes 0.00003; ExAC 0.00009; 1000 Genomes Project 30x 0.00016; 1000 Genomes Project 0.00020.
gnomAD v4.1: 19 of 1,568,172 alleles (0.0012%); highest among the groups gnomAD compares: Admixed American, 0.0094%; no homozygotes.

Submissions (5):

Labcorp Genetics (formerly Invitae), Labcorp
Classification: Uncertain significance for RYR1-related disorder. Last evaluated: 2024-11-27. Review status: criteria provided, single submitter. Criteria: Invitae Variant Classification Sherloc (09022015). Collection method: clinical testing. Allele origin: germline.
Comment: This sequence change replaces valine, which is neutral and non-polar, with methionine, which is neutral and non-polar, at codon 1627 of the RYR1 protein (p.Val1627Met). The frequency data for this variant in the population databases is considered unreliable, as metrics indicate poor data quality at this position in the gnomAD database. This variant has not been reported in the literature in individuals affected with RYR1-related conditions. ClinVar contains an entry for this variant (Variation ID: 393147). Invitae Evidence Modeling of protein sequence and biophysical properties (such as structural, functional, and spatial information, amino acid conservation, physicochemical variation, residue mobility, and thermodynamic stability) indicates that this missense variant is not expected to disrupt RYR1 protein function with a negative predictive value of 80%. In summary, the available evidence is currently insufficient to determine the role of this variant in disease. Therefore, it has been classified as a Variant of Uncertain Significance.

Color Diagnostics, LLC DBA Color Health
Classification: Uncertain significance for Malignant hyperthermia, susceptibility to, 1. Last evaluated: 2024-06-11. Review status: criteria provided, single submitter. Criteria: ACMG Guidelines, 2015. Collection method: clinical testing. Allele origin: germline.
Comment: This missense variant replaces valine with methionine at codon 1627 of the RYR1 protein. Computational prediction is inconclusive regarding the impact of this variant on protein structure and function. To our knowledge, functional studies have not been reported for this variant. This variant has not been reported in individuals affected with RYR1-related disorders in the literature. This variant has been identified in 6/175634 chromosomes in the general population by the Genome Aggregation Database (gnomAD). The available evidence is insufficient to determine the role of this variant in disease conclusively. Therefore, this variant is classified as a Variant of Uncertain Significance.

GeneDx
Classification: Uncertain significance. Last evaluated: 2023-08-15. Review status: criteria provided, single submitter. Criteria: GeneDx Variant Classification Process June 2021. Collection method: clinical testing. Allele origin: germline. Affected: yes.
Comment: Not observed at significant frequency in large population cohorts (gnomAD); In silico analysis supports that this missense variant does not alter protein structure/function; Has not been previously published as pathogenic or benign to our knowledge

All of Us Research Program, National Institutes of Health
Classification: Uncertain significance for Malignant hyperthermia, susceptibility to, 1. Last evaluated: 2023-04-27. Review status: criteria provided, single submitter. Criteria: ACMG Guidelines, 2015. Collection method: clinical testing. Allele origin: germline. Inheritance: Autosomal dominant inheritance. Observed: 1 variant allele, 1 heterozygote.
Comment: This study involves interpretation of variants in research participants for the purpose of population health screening. Participant phenotype was not available at the time of variant classification. Additional details can be found in publication PMID: 35346344, PMCID: PMC8962531

Blueprint Genetics
Classification: Uncertain significance. Last evaluated: 2022-09-08. Review status: criteria provided, single submitter. Criteria: ACMG Guidelines, 2015. Collection method: clinical testing. Allele origin: germline.